The following is an entry in ClinVar:

ClinVar aggregate classification (germline): Benign/Likely benign. Review status: criteria provided, multiple submitters, no conflicts (2 of 4 stars). 3 submissions from 3 submitters: Benign (1); Likely benign (1). 1 of the submissions does not count toward it. Last evaluated 2026-01-30.

Conditions:
TRPV6-related disorder. Also called: TRPV6-related condition.

Allele frequency attached by ClinVar (database versions not stated): gnomAD exomes 0.00030; TOPMed 0.00031; gnomAD 0.00034; ExAC 0.00046; ESP Exome Variant Server 0.00064.

Submissions (3):

Labcorp Genetics (formerly Invitae), Labcorp
Classification: Benign. Last evaluated: 2026-01-30. Review status: criteria provided, single submitter. Criteria: Invitae Variant Classification Sherloc (09022015). Collection method: clinical testing. Allele origin: germline.

Blueprint Genetics
Classification: Likely benign. Last evaluated: 2024-11-07. Review status: criteria provided, single submitter. Criteria: ACMG Guidelines, 2015. Collection method: clinical testing. Allele origin: germline.

PreventionGenetics, part of Exact Sciences
Classification: Benign for TRPV6-related condition. Last evaluated: 2019-03-04. Review status: no assertion criteria provided. Collection method: clinical testing. Allele origin: germline. Not counted in ClinVar's aggregate classification.
Comment: This variant is classified as benign based on ACMG/AMP sequence variant interpretation guidelines (Richards et al. 2015 PMID: 25741868, with internal and published modifications).

NM_018646.6(TRPV6):c.470-8dup

Gene: TRPV6 (transient receptor potential cation channel subfamily V member 6; minus strand). Cytogenetic location: 7q34.
Variant type: Duplication.
Coding change: c.470-8dup on transcript NM_018646.6 (MANE Select); 8 bases into the intron before coding-DNA position 470, one base duplicated (T; older notation c.470-8dupT).
Molecular consequence: intron variant.
Genome position (GRCh38, 1-based): chr7:142,877,287, A duplicated on the plus strand (T on the coding strand, the reverse complement: TRPV6 is on the minus strand). VCF-style (leftmost placement, unchanged base first): chr7-142877286-C-CA. GRCh37 (hg19) VCF-style: chr7-142575039-C-CA.
Identifiers: ClinVar variation 3052210 (VCV003052210.5), dbSNP rs776963085, ClinGen allele CA4532844.
Genomic context (GRCh38, chr7:142,877,286, plus strand): 5'-CTCGCACCAGGTTCATGTTCTGGTTCACAACAGCGATGTGCAGTGCAGTCTGACCTGGCC[C>CA]AGAGACAGCTGTCAGTCACGGGTCTGTCCCCAGGATCCTGCAGGGGGTCCCTCCCATATG-3'